The following is an entry in ClinVar:

NM_001366385.1(CARD14):c.1916C>G (p.Ala639Gly)

Genes: SGSH (N-sulfoglucosamine sulfohydrolase; minus strand), CARD14 (caspase recruitment domain family member 14; plus strand). Cytogenetic location: 17q25.3.
Variant type: single nucleotide variant.
Coding change: c.1916C>G on transcript NM_001366385.1 (MANE Select); coding-DNA position 1916, C replaced by G.
Protein change: p.Ala639Gly; replaces alanine 639 with glycine.
Molecular consequence: missense variant. On other transcripts: non-coding transcript variant (1).
Genome position (GRCh38, 1-based): chr17:80,201,808, C>G. VCF-style: chr17-80201808-C-G. GRCh37 (hg19) VCF-style: chr17-78175607-C-G.
Other names: c.1916C>G, p.Ala639Gly (NM_001257970.1, NM_024110.4); short protein forms A639G.
Identifiers: ClinVar variation 4788682 (VCV004788682.1).

ClinVar aggregate classification (germline): Uncertain significance (1 of 4 stars; one submission).

Conditions:
Pityriasis rubra pilaris (PRP). Also called: Pityriasis rubra pilaris--familial type. Identifiers: Orphanet 2897, MedGen C0032027, MONDO:0100017, OMIM 173200, MONDO:0008251.
Psoriasis 2. Identifiers: MedGen C1864497, MONDO:0011269, OMIM 602723.

gnomAD v4.1: 4 of 1,613,766 alleles (0.00025%); highest among the groups gnomAD compares: Non-Finnish European, 0.00034%; no homozygotes.

Submission:

Labcorp Genetics (formerly Invitae), Labcorp
Classification: Uncertain significance for Pityriasis rubra pilaris; Psoriasis 2. Last evaluated: 2025-11-12. Review status: criteria provided, single submitter. Criteria: Invitae Variant Classification Sherloc (09022015). Collection method: clinical testing. Allele origin: germline.
Comment: This sequence change replaces alanine, which is neutral and non-polar, with glycine, which is neutral and non-polar, at codon 639 of the CARD14 protein (p.Ala639Gly). This variant is not present in population databases (gnomAD no frequency). This missense change has been observed in individual(s) with atopic dermatitis (PMID: 26358359). Invitae Evidence Modeling of protein sequence and biophysical properties (such as structural, functional, and spatial information, amino acid conservation, physicochemical variation, residue mobility, and thermodynamic stability) has been performed for this missense variant. However, the output from this modeling did not meet the statistical confidence thresholds required to predict the impact of this variant on CARD14 protein function. In summary, the available evidence is currently insufficient to determine the role of this variant in disease. Therefore, it has been classified as a Variant of Uncertain Significance.

Literature cited by the submitters: PubMed 26358359.